The following is an entry in ClinVar:

NM_001164508.2(NEB):c.3774+2T>C

Gene: NEB (nebulin; minus strand). Cytogenetic location: 2q23.3.
Variant type: single nucleotide variant.
Coding change: c.3774+2T>C on transcript NM_001164508.2 (MANE Select); the canonical splice donor site of the intron after coding-DNA position 3774, T replaced by C.
Molecular consequence: splice donor variant.
Genome position (GRCh38, 1-based): chr2:151,677,563, A>G on the plus strand (T>C on the coding strand, the complement: NEB is on the minus strand). VCF-style: chr2-151677563-A-G. GRCh37 (hg19) VCF-style: chr2-152534077-A-G.
Other names: c.3774+2T>C (NM_004543.5, NM_001164507.2, NM_001271208.2).
Identifiers: ClinVar variation 558277 (VCV000558277.3), dbSNP rs1553531049, ClinGen allele CA348818331.

ClinVar aggregate classification (germline): Uncertain significance. Review status: criteria provided, single submitter (1 of 4 stars). 2 submissions from 2 submitters: Uncertain significance (1). 1 of the submissions does not count toward it. Last evaluated 2025-03-20.

Conditions:
Nemaline myopathy 2 (NEM2). Also called: Nemaline myopathy 2, autosomal recessive. Identifiers: MedGen C1850569, MONDO:0009725, OMIM 256030.
Nemaline myopathy. Also called: Myopathies, Nemaline. Identifiers: Orphanet 607, MedGen C0206157, MONDO:0018958.

Allele frequency attached by ClinVar (database versions not stated): gnomAD exomes below 0.00001.
gnomAD v4.1: 1 of 1,611,060 alleles (0.000062%); highest among the groups gnomAD compares: Non-Finnish European, 0.000085%; no homozygotes.

Submissions (2):

Broad Center for Mendelian Genomics, Broad Institute of MIT and Harvard
Classification: Uncertain significance for Nemaline myopathy. Last evaluated: 2025-03-20. Review status: criteria provided, single submitter. Criteria: ACMG Guidelines, 2015. Collection method: curation. Allele origin: germline. Inheritance: Autosomal recessive inheritance.
Comment: The c.3774+2T>C variant in NEB has been not been previously reported in individuals with nemaline myopathy, but has been identified in 0.00009% (1/1177582) of European (non-Finnish) chromosomes by the Genome Aggregation Database (gnomAD; dbSNP ID: rs1553531049). Although this variant has been seen in the general population in a heterozygous state, its frequency is low enough to be consistent with a recessive carrier frequency. This variant has also been reported in ClinVar (Variation ID: 558277) and has been interpreted as likely pathogenic by Counsyl. This variant is located in the 5' splice region. Computational tools predict a splicing impact, though this information is not predictive enough to determine pathogenicity. There is an in-frame cryptic splice site 9 bases from the intron-exon boundary, providing evidence that this variant may delete 3 amino acids instead of causing loss of function. However, this information is not predictive enough to determine pathogenicity. Loss of function of the NEB gene is an established disease mechanism in autosomal recessive nemaline myopathy. In summary, while there is some suspicion for a pathogenic role, the clinical significance of this variant is uncertain. ACMG/AMP Criteria applied: PVS1_moderate, PM2_supporting (Richards 2015).

Counsyl
Classification: Likely pathogenic for Nemaline myopathy 2. Last evaluated: 2018-05-09. Review status: no assertion criteria provided. Collection method: clinical testing. Allele origin: unknown. Not counted in ClinVar's aggregate classification.